The following is an entry in ClinVar:

NM_005253.4(FOSL2):c.695C>A (p.Ser232Ter)

Gene: FOSL2 (FOS like 2, AP-1 transcription factor subunit; plus strand). Cytogenetic location: 2p23.2.
Variant type: single nucleotide variant.
Coding change: c.695C>A on transcript NM_005253.4 (MANE Select); coding-DNA position 695, C replaced by A.
Protein change: p.Ser232Ter; replaces serine 232 with a stop codon.
Molecular consequence: nonsense.
Genome position (GRCh38, 1-based): chr2:28,412,162, C>A. VCF-style: chr2-28412162-C-A. GRCh37 (hg19) VCF-style: chr2-28635029-C-A.
Other names: short protein forms S232*.
Identifiers: ClinVar variation 4830962 (VCV004830962.1).

ClinVar aggregate classification (germline): Uncertain significance (1 of 4 stars; one submission).

Submission:

Ambry Genetics
Classification: Uncertain significance. Last evaluated: 2026-02-26. Review status: criteria provided, single submitter. Criteria: Ambry Variant Classification Scheme 2023. Collection method: clinical testing. Allele origin: germline.
Comment: The c.695C>A (p.S232*) alteration, located in coding exon 4 of the FOSL2 gene, consists of a C to A substitution at nucleotide position 695. This changes the amino acid from a serine (S) to a stop codon at amino acid position 232. This variant is not expected to trigger nonsense-mediated mRNA decay, and impacts the last 95 amino acids of the protein. The exact functional effect of this alteration is unknown. Additionally, loss of function of FOSL2 has not been established as a mechanism of disease. This variant was not reported in population-based cohorts in the Genome Aggregation Database (gnomAD). Based on insufficient or conflicting evidence, the clinical significance of this alteration remains unclear.